The following is an entry in ClinVar:

NM_001844.5(COL2A1):c.2620C>T (p.Pro874Ser)

Gene: COL2A1 (collagen type II alpha 1 chain; minus strand). Cytogenetic location: 12q13.11.
Variant type: single nucleotide variant.
Coding change: c.2620C>T on transcript NM_001844.5 (MANE Select); coding-DNA position 2620, C replaced by T.
Protein change: p.Pro874Ser; replaces proline 874 with serine.
Molecular consequence: missense variant.
Genome position (GRCh38, 1-based): chr12:47,980,559, G>A on the plus strand (C>T on the coding strand, the complement: COL2A1 is on the minus strand). VCF-style: chr12-47980559-G-A. GRCh37 (hg19) VCF-style: chr12-48374342-G-A.
Other names: c.2413C>T, p.Pro805Ser (NM_033150.3); short protein forms P874S, P805S.
Identifiers: ClinVar variation 618029 (VCV000618029.25), dbSNP rs377198201, ClinGen allele CA6535046.

ClinVar aggregate classification (germline): Conflicting classifications of pathogenicity. Review status: criteria provided, conflicting classifications (1 of 4 stars). 7 submissions from 7 submitters: Uncertain significance (3); Likely benign (4). Last evaluated 2025-12-26.

Conditions:
COL2A1-related disorder. Also called: COL2A1-related condition; COL2A1-related disorders.
Inborn genetic diseases. Identifiers: MedGen C0950123, MeSH D030342.

Allele frequency attached by ClinVar (database versions not stated): gnomAD exomes 0.00005; ExAC 0.00012; ESP Exome Variant Server 0.00015; gnomAD 0.00017; TOPMed 0.00022; 1000 Genomes Project 30x 0.00031; 1000 Genomes Project 0.00040.
gnomAD v4.1: 49 of 1,607,066 alleles (0.003%); highest among the groups gnomAD compares: African/African-American, 0.059%; no homozygotes.

Submissions (7):

PreventionGenetics, part of Exact Sciences
Classification: Likely benign for COL2A1-related condition. Last evaluated: 2025-12-26. Review status: criteria provided, single submitter. Criteria: ACMG Guidelines, 2015. Collection method: clinical testing. Allele origin: germline.
Comment: This variant is classified as likely benign based on ACMG/AMP sequence variant interpretation guidelines (Richards et al. 2015 PMID: 25741868, with internal and published modifications).

Labcorp Genetics (formerly Invitae), Labcorp
Classification: Likely benign. Last evaluated: 2025-11-05. Review status: criteria provided, single submitter. Criteria: Invitae Variant Classification Sherloc (09022015). Collection method: clinical testing. Allele origin: germline.

GeneDx
Classification: Uncertain significance. Last evaluated: 2025-06-24. Review status: criteria provided, single submitter. Criteria: GeneDx Variant Classification Process June 2021. Collection method: clinical testing. Allele origin: germline. Affected: yes.
Comment: Has not been previously published as pathogenic or benign to our knowledge; Occurs in the triple helical domain at the X position in the canonical Gly-X-Y repeat; although this variant may have an effect on normal protein folding and function, missense substitution at the X position is not a common mechanism of disease (HGMD); In silico analysis supports that this missense variant has a deleterious effect on protein structure/function

Ambry Genetics
Classification: Likely benign for Inborn genetic diseases. Last evaluated: 2025-05-17. Review status: criteria provided, single submitter. Criteria: Ambry Variant Classification Scheme 2023. Collection method: clinical testing. Allele origin: germline.

Blueprint Genetics
Classification: Likely benign. Last evaluated: 2024-06-05. Review status: criteria provided, single submitter. Criteria: ACMG Guidelines, 2015. Collection method: clinical testing. Allele origin: germline.

Illumina Laboratory Services, Illumina
Classification: Uncertain significance for COL2A1-related disorders. Last evaluated: 2022-02-17. Review status: criteria provided, single submitter. Criteria: ICSLVariantClassificationCriteria RUGD 01 April 2020. Collection method: clinical testing. Allele origin: unknown.
Comment: The COL2A1 c.2620C>T (p.Pro874Ser) missense variant results in the substitution of proline at amino acid position 874 with serine. To our knowledge, this variant has not been reported in the peer-reviewed literature. This variant is reported at a frequency of 0.000604 in the African/African American population of the Genome Aggregation Database (version 3.1.2). Based on the available evidence, the c.2620C>T (p.Pro874Ser) variant is classified as a variant of uncertain significance for COL2A1-related disorders.

ARUP Laboratories, Molecular Genetics and Genomics, ARUP Laboratories
Classification: Uncertain significance. Last evaluated: 2017-12-22. Review status: criteria provided, single submitter. Criteria: ARUP Molecular Germline Variant Investigation Process. Collection method: clinical testing. Allele origin: germline.